The following is an entry in ClinVar:

ClinVar aggregate classification (germline): Uncertain significance (1 of 4 stars; one submission).

Submission:

Ambry Genetics
Classification: Uncertain significance. Last evaluated: 2024-12-16. Review status: criteria provided, single submitter. Criteria: Ambry Variant Classification Scheme 2023. Collection method: clinical testing. Allele origin: germline.
Comment: The p.L179F variant (also known as c.535C>T), located in coding exon 1 of the CDK12 gene, results from a C to T substitution at nucleotide position 535. The leucine at codon 179 is replaced by phenylalanine, an amino acid with highly similar properties. This amino acid position is conserved. In addition, this alteration is predicted to be tolerated by in silico analysis. Based on the available evidence, the clinical significance of this variant remains unclear.

NM_016507.4(CDK12):c.535C>T (p.Leu179Phe)

Genes: CDK12 (cyclin dependent kinase 12; plus strand), LOC126862553 (CDK7 strongly-dependent group 2 enhancer GRCh37_chr17:37618166-37619365; plus strand). Cytogenetic location: 17q12.
Variant type: single nucleotide variant.
Coding change: c.535C>T on transcript NM_016507.4 (MANE Select); coding-DNA position 535, C replaced by T.
Protein change: p.Leu179Phe; replaces leucine 179 with phenylalanine.
Molecular consequence: missense variant.
Genome position (GRCh38, 1-based): chr17:39,462,606, C>T. VCF-style: chr17-39462606-C-T. GRCh37 (hg19) VCF-style: chr17-37618859-C-T.
Other names: c.535C>T, p.Leu179Phe (NM_015083.4); short protein forms L179F.
Identifiers: ClinVar variation 3830364 (VCV003830364.1).